The following is an entry in ClinVar:

NM_025081.3(NYNRIN):c.5335G>A (p.Ala1779Thr)

Gene: NYNRIN (NYN domain and retroviral integrase containing; plus strand). Cytogenetic location: 14q12.
Variant type: single nucleotide variant.
Coding change: c.5335G>A on transcript NM_025081.3 (MANE Select); coding-DNA position 5335, G replaced by A.
Protein change: p.Ala1779Thr; replaces alanine 1779 with threonine.
Molecular consequence: missense variant.
Genome position (GRCh38, 1-based): chr14:24,417,084, G>A. VCF-style: chr14-24417084-G-A. GRCh37 (hg19) VCF-style: chr14-24886290-G-A.
Other names: c.5335G>A (NM_025081.2); short protein forms A1779T.
Identifiers: ClinVar variation 3714209 (VCV003714209.3).
Genomic context (GRCh38, chr14:24,417,084, plus strand): 5'-AAGGTCCTGACCGGGGGTGAGTCAAGGCTCACGGAGCCCCTGTGGTGGGAGATGAGCAGC[G>A]CAAACATTGAAGGGCTCAAGATGGACGTCTTCCTGCTACAGCTGGTGGGGGAGCTGCTGG-3'
Protein context (NP_079357.2, residues 1769-1789): TEPLWWEMSS[Ala1779Thr]NIEGLKMDVF

ClinVar aggregate classification (germline): Uncertain significance. Review status: criteria provided, multiple submitters, no conflicts (2 of 4 stars). 2 submissions from 2 submitters: Uncertain significance (2). Last evaluated 2025-08-27.

gnomAD v4.1: 71 of 1,613,342 alleles (0.0044%); highest among the groups gnomAD compares: Non-Finnish European, 0.0055%; no homozygotes.

Submissions (2):

Ambry Genetics
Classification: Uncertain significance. Last evaluated: 2025-08-27. Review status: criteria provided, single submitter. Criteria: Ambry Variant Classification Scheme 2023. Collection method: clinical testing. Allele origin: germline.

Labcorp Genetics (formerly Invitae), Labcorp
Classification: Uncertain significance. Last evaluated: 2025-02-18. Review status: criteria provided, single submitter. Criteria: Invitae Variant Classification Sherloc (09022015). Collection method: clinical testing. Allele origin: germline.
Comment: This sequence change replaces alanine, which is neutral and non-polar, with threonine, which is neutral and polar, at codon 1779 of the NYNRIN protein (p.Ala1779Thr). This variant is present in population databases (rs767829132, gnomAD 0.01%). This variant has not been reported in the literature in individuals affected with NYNRIN-related conditions. Experimental studies and prediction algorithms are not available or were not evaluated, and the functional significance of this variant is currently unknown. In summary, the available evidence is currently insufficient to determine the role of this variant in disease. Therefore, it has been classified as a Variant of Uncertain Significance.